The following is an entry in ClinVar:

NM_000393.5(COL5A2):c.4455A>G (p.Thr1485=)

Gene: COL5A2 (collagen type V alpha 2 chain; minus strand). Cytogenetic location: 2q32.2.
Variant type: single nucleotide variant.
Coding change: c.4455A>G on transcript NM_000393.5 (MANE Select); coding-DNA position 4455, A replaced by G.
Protein change: p.Thr1485=; no amino-acid change (threonine 1485 retained).
Molecular consequence: synonymous variant.
Genome position (GRCh38, 1-based): chr2:189,034,115, T>C on the plus strand (A>G on the coding strand, the complement: COL5A2 is on the minus strand). VCF-style: chr2-189034115-T-C. GRCh37 (hg19) VCF-style: chr2-189898841-T-C.
Other names: c.4455A>G (NM_000393.4).
Identifiers: ClinVar variation 1139272 (VCV001139272.45), dbSNP rs371225266, ClinGen allele CA2021782.

ClinVar aggregate classification (germline): Benign/Likely benign. Review status: criteria provided, multiple submitters, no conflicts (2 of 4 stars). 5 submissions from 5 submitters: Benign (1); Likely benign (3). 1 of the submissions does not count toward it. Last evaluated 2025-06-29.

Conditions:
Ehlers-Danlos syndrome, classic type, 1 (EDSCL1). Also called: EHLERS-DANLOS SYNDROME, GRAVIS TYPE; EHLERS-DANLOS SYNDROME, SEVERE CLASSIC TYPE; Ehlers-Danlos syndrome, type 1; Ehlers-Danlos Syndrome, Classic Type, COL5A1-Related; EDS I. Identifiers: MedGen C0268335, MONDO:0019567, OMIM 130000.
Familial thoracic aortic aneurysm and aortic dissection (TAAD). Also called: Thoracic aortic aneurysms and dissections. Identifiers: Orphanet 91387, MedGen C4707243, MONDO:0019625.
COL5A2-related disorder. Also called: COL5A2-related condition.

Allele frequency attached by ClinVar (database versions not stated): gnomAD 0.00004; gnomAD exomes 0.00005; TOPMed 0.00005; ExAC 0.00008; ESP Exome Variant Server 0.00008.
gnomAD v4.1: 80 of 1,613,956 alleles (0.005%); highest among the groups gnomAD compares: Non-Finnish European, 0.0065%; no homozygotes.

Submissions (5):

Labcorp Genetics (formerly Invitae), Labcorp
Classification: Likely benign for Ehlers-Danlos syndrome, classic type, 1. Last evaluated: 2025-06-29. Review status: criteria provided, single submitter. Criteria: Invitae Variant Classification Sherloc (09022015). Collection method: clinical testing. Allele origin: germline.

Women's Health and Genetics/Laboratory Corporation of America, LabCorp
Classification: Benign. Last evaluated: 2025-05-27. Review status: criteria provided, single submitter. Criteria: LabCorp Variant Classification Summary - May 2015. Collection method: clinical testing. Allele origin: germline.

CeGaT Center for Human Genetics Tuebingen
Classification: Likely benign. Last evaluated: 2021-06-01. Review status: criteria provided, single submitter. Criteria: CeGaT Center For Human Genetics Tuebingen Variant Classification Criteria Version 2. Collection method: clinical testing. Allele origin: germline. Affected: yes. Observed: 1 variant allele.

Ambry Genetics
Classification: Likely benign for Familial thoracic aortic aneurysm and aortic dissection. Last evaluated: 2019-08-29. Review status: criteria provided, single submitter. Criteria: Ambry Variant Classification Scheme 2023. Collection method: clinical testing. Allele origin: germline.

PreventionGenetics, part of Exact Sciences
Classification: Likely benign for COL5A2-related condition. Last evaluated: 2021-11-03. Review status: no assertion criteria provided. Collection method: clinical testing. Allele origin: germline. Not counted in ClinVar's aggregate classification.
Comment: This variant is classified as likely benign based on ACMG/AMP sequence variant interpretation guidelines (Richards et al. 2015 PMID: 25741868, with internal and published modifications).